The following is an entry in ClinVar:

ClinVar aggregate classification (germline): Benign/Likely benign. Review status: criteria provided, multiple submitters, no conflicts (2 of 4 stars). 3 submissions from 3 submitters: Benign (1); Likely benign (2). Last evaluated 2025-11-17.

Conditions:
Hereditary cancer-predisposing syndrome. Also called: Tumor predisposition; Hereditary neoplastic syndrome; Neoplastic Syndromes, Hereditary; Hereditary Cancer Syndrome. Identifiers: Orphanet 140162, MedGen C0027672, MeSH D009386, MONDO:0015356.
Tuberous sclerosis 2 (TSC2). Identifiers: Orphanet 805, MedGen C1860707, MONDO:0013199, OMIM 613254.

gnomAD v4.1: 4 of 1,613,690 alleles (0.00025%); highest among the groups gnomAD compares: Non-Finnish European, 0.00034%; no homozygotes.

Submissions (3):

Labcorp Genetics (formerly Invitae), Labcorp
Classification: Likely benign for Tuberous sclerosis 2. Last evaluated: 2025-11-17. Review status: criteria provided, single submitter. Criteria: Invitae Variant Classification Sherloc (09022015). Collection method: clinical testing. Allele origin: germline.

Myriad Genetics, Inc.
Classification: Benign for Tuberous sclerosis 2. Last evaluated: 2025-05-15. Review status: criteria provided, single submitter. Criteria: Myriad Autosomal Dominant, Autosomal Recessive and X-Linked Classification Criteria (2023). Collection method: clinical testing. Allele origin: unknown.
Comment: This variant is considered benign. This variant is a silent/synonymous amino acid change and it is not expected to impact splicing.

Ambry Genetics
Classification: Likely benign for Hereditary cancer-predisposing syndrome. Last evaluated: 2021-08-17. Review status: criteria provided, single submitter. Criteria: Ambry Variant Classification Scheme 2023. Collection method: clinical testing. Allele origin: germline.

NM_000548.5(TSC2):c.1608C>G (p.Ala536=)

Gene: TSC2 (TSC complex subunit 2; plus strand). Cytogenetic location: 16p13.3.
Variant type: single nucleotide variant.
Coding change: c.1608C>G on transcript NM_000548.5 (MANE Select); coding-DNA position 1608, C replaced by G.
Protein change: p.Ala536=; no amino-acid change (alanine 536 retained).
Molecular consequence: synonymous variant.
Genome position (GRCh38, 1-based): chr16:2,065,527, C>G. VCF-style: chr16-2065527-C-G. GRCh37 (hg19) VCF-style: chr16-2115528-C-G.
Other names: c.1608C>G, p.Ala536= (NM_001077183.3, NM_001114382.3, NM_001363528.2 and 3 more transcripts); c.1497C>G, p.Ala499= (NM_001318827.2); c.1461C>G, p.Ala487= (NM_001318829.2); c.1008C>G, p.Ala336= (NM_001318831.2); c.1641C>G, p.Ala547= (NM_001318832.2).
Identifiers: ClinVar variation 1641559 (VCV001641559.11), dbSNP rs2151206478, ClinGen allele CA492947798.
Genomic context (GRCh38, chr16:2,065,527, plus strand): 5'-TGCTGACTCAGAACCATGAGCCTGTGTGTAAGTCCTGGCCTTCTCTTCAAAGGTGATGGC[C>G]CGCTCCCTCTCCCCACCCCCGGAGCTGGAAGAAAGGGATGTGGCCGCATACTCGGCCTCC-3'
Protein context (NP_000539.2, residues 526-546): SLLDIIEKVM[Ala536=]RSLSPPPELE